The following is an entry in ClinVar:

ClinVar aggregate classification (germline): Benign. Review status: criteria provided, multiple submitters, no conflicts (2 of 4 stars). 3 submissions from 3 submitters: Benign (2). 1 of the submissions does not count toward it. Last evaluated 2026-01-26.

Conditions:
MBTPS1-related disorder. Also called: MBTPS1-related condition.

Allele frequency attached by ClinVar (database versions not stated): gnomAD 0.01909 and 0.02041; 1000 Genomes Project 0.02037; 1000 Genomes Project 30x 0.02202; TOPMed 0.02203; ESP Exome Variant Server 0.02385; gnomAD exomes 0.00515; ExAC 0.00648.
gnomAD v4.1: 5,766 of 1,603,606 alleles (0.36%); highest among the groups gnomAD compares: African/African-American, 6.6%; 185 homozygotes.

Submissions (27):

Labcorp Genetics (formerly Invitae), Labcorp
Classification: Benign. Last evaluated: 2026-01-26. Review status: criteria provided, single submitter. Criteria: Invitae Variant Classification Sherloc (09022015). Collection method: clinical testing. Allele origin: germline.

Breakthrough Genomics
Classification: Benign. Review status: criteria provided, single submitter. Criteria: ACMG Guidelines, 2015. Collection method: not provided. Allele origin: germline. Inheritance: Autosomal recessive inheritance. Affected: yes.

PreventionGenetics, part of Exact Sciences
Classification: Benign for MBTPS1-related condition. Last evaluated: 2019-07-30. Review status: no assertion criteria provided. Collection method: clinical testing. Allele origin: germline. Not counted in ClinVar's aggregate classification.
Comment: This variant is classified as benign based on ACMG/AMP sequence variant interpretation guidelines (Richards et al. 2015 PMID: 25741868, with internal and published modifications).

Dr. Peter K. Rogan Lab, Western University
No classification provided (evidence only). Condition: Acute myeloid leukemia. Review status: no classification provided. Collection method: in vitro. Allele origin: not applicable. Functional consequence: retained intron. Not counted in ClinVar's aggregate classification.

Dr. Peter K. Rogan Lab, Western University
No classification provided (evidence only). Condition: Uterine corpus endometrial carcinoma. Review status: no classification provided. Collection method: in vitro. Allele origin: not applicable. Functional consequence: retained intron. Not counted in ClinVar's aggregate classification.

Dr. Peter K. Rogan Lab, Western University
No classification provided (evidence only). Condition: Uterine corpus endometrial carcinoma. Review status: no classification provided. Collection method: in vitro. Allele origin: not applicable. Functional consequence: retained intron. Not counted in ClinVar's aggregate classification.

Dr. Peter K. Rogan Lab, Western University
No classification provided (evidence only). Condition: Uterine corpus endometrial carcinoma. Review status: no classification provided. Collection method: in vitro. Allele origin: not applicable. Functional consequence: retained intron. Not counted in ClinVar's aggregate classification.

Dr. Peter K. Rogan Lab, Western University
No classification provided (evidence only). Condition: Uterine corpus endometrial carcinoma. Review status: no classification provided. Collection method: in vitro. Allele origin: not applicable. Functional consequence: retained intron. Not counted in ClinVar's aggregate classification.

Dr. Peter K. Rogan Lab, Western University
No classification provided (evidence only). Condition: Uterine corpus endometrial carcinoma. Review status: no classification provided. Collection method: in vitro. Allele origin: not applicable. Functional consequence: retained intron. Not counted in ClinVar's aggregate classification.

Dr. Peter K. Rogan Lab, Western University
No classification provided (evidence only). Condition: Uterine corpus endometrial carcinoma. Review status: no classification provided. Collection method: in vitro. Allele origin: not applicable. Functional consequence: retained intron. Not counted in ClinVar's aggregate classification.

Dr. Peter K. Rogan Lab, Western University
No classification provided (evidence only). Condition: Uterine corpus endometrial carcinoma. Review status: no classification provided. Collection method: in vitro. Allele origin: not applicable. Functional consequence: retained intron. Not counted in ClinVar's aggregate classification.

Dr. Peter K. Rogan Lab, Western University
No classification provided (evidence only). Condition: Uterine corpus endometrial carcinoma. Review status: no classification provided. Collection method: in vitro. Allele origin: not applicable. Functional consequence: retained intron. Not counted in ClinVar's aggregate classification.

Dr. Peter K. Rogan Lab, Western University
No classification provided (evidence only). Condition: Uterine corpus endometrial carcinoma. Review status: no classification provided. Collection method: in vitro. Allele origin: not applicable. Functional consequence: retained intron. Not counted in ClinVar's aggregate classification.

Dr. Peter K. Rogan Lab, Western University
No classification provided (evidence only). Condition: Uterine corpus endometrial carcinoma. Review status: no classification provided. Collection method: in vitro. Allele origin: not applicable. Functional consequence: retained intron. Not counted in ClinVar's aggregate classification.

Dr. Peter K. Rogan Lab, Western University
No classification provided (evidence only). Condition: Uterine corpus endometrial carcinoma. Review status: no classification provided. Collection method: in vitro. Allele origin: not applicable. Functional consequence: retained intron. Not counted in ClinVar's aggregate classification.

Dr. Peter K. Rogan Lab, Western University
No classification provided (evidence only). Condition: Cervical cancer. Review status: no classification provided. Collection method: in vitro. Allele origin: not applicable. Functional consequence: retained intron. Not counted in ClinVar's aggregate classification.

Dr. Peter K. Rogan Lab, Western University
No classification provided (evidence only). Condition: Cervical cancer. Review status: no classification provided. Collection method: in vitro. Allele origin: not applicable. Functional consequence: retained intron. Not counted in ClinVar's aggregate classification.

Dr. Peter K. Rogan Lab, Western University
No classification provided (evidence only). Condition: Cervical cancer. Review status: no classification provided. Collection method: in vitro. Allele origin: not applicable. Functional consequence: retained intron. Not counted in ClinVar's aggregate classification.

Dr. Peter K. Rogan Lab, Western University
No classification provided (evidence only). Condition: Cervical cancer. Review status: no classification provided. Collection method: in vitro. Allele origin: not applicable. Functional consequence: retained intron. Not counted in ClinVar's aggregate classification.

Dr. Peter K. Rogan Lab, Western University
No classification provided (evidence only). Condition: Sarcoma. Review status: no classification provided. Collection method: in vitro. Allele origin: not applicable. Functional consequence: retained intron. Not counted in ClinVar's aggregate classification.

Dr. Peter K. Rogan Lab, Western University
No classification provided (evidence only). Condition: Sarcoma. Review status: no classification provided. Collection method: in vitro. Allele origin: not applicable. Functional consequence: retained intron. Not counted in ClinVar's aggregate classification.

Dr. Peter K. Rogan Lab, Western University
No classification provided (evidence only). Condition: Sarcoma. Review status: no classification provided. Collection method: in vitro. Allele origin: not applicable. Functional consequence: retained intron. Not counted in ClinVar's aggregate classification.

Dr. Peter K. Rogan Lab, Western University
No classification provided (evidence only). Condition: Thymoma. Review status: no classification provided. Collection method: in vitro. Allele origin: not applicable. Functional consequence: retained intron. Not counted in ClinVar's aggregate classification.

Dr. Peter K. Rogan Lab, Western University
No classification provided (evidence only). Condition: Thymoma. Review status: no classification provided. Collection method: in vitro. Allele origin: not applicable. Functional consequence: retained intron. Not counted in ClinVar's aggregate classification.

Dr. Peter K. Rogan Lab, Western University
No classification provided (evidence only). Condition: Ovarian serous cystadenocarcinoma. Review status: no classification provided. Collection method: in vitro. Allele origin: not applicable. Functional consequence: retained intron. Not counted in ClinVar's aggregate classification.

Dr. Peter K. Rogan Lab, Western University
No classification provided (evidence only). Condition: Gastric cancer. Review status: no classification provided. Collection method: in vitro. Allele origin: not applicable. Functional consequence: retained intron. Not counted in ClinVar's aggregate classification.

Dr. Peter K. Rogan Lab, Western University
No classification provided (evidence only). Condition: Malignant tumor of esophagus. Review status: no classification provided. Collection method: in vitro. Allele origin: not applicable. Functional consequence: retained intron. Not counted in ClinVar's aggregate classification.

NM_003791.4(MBTPS1):c.2705-9T>A

Gene: MBTPS1 (membrane bound transcription factor peptidase, site 1; minus strand). Cytogenetic location: 16q23.3.
Variant type: single nucleotide variant.
Coding change: c.2705-9T>A on transcript NM_003791.4 (MANE Select); 9 bases into the intron before coding-DNA position 2705, T replaced by A.
Molecular consequence: intron variant.
Genome position (GRCh38, 1-based): chr16:84,059,437, A>T on the plus strand (T>A on the coding strand, the complement: MBTPS1 is on the minus strand). VCF-style: chr16-84059437-A-T. GRCh37 (hg19) VCF-style: chr16-84093042-A-T.
Identifiers: ClinVar variation 710100 (VCV000710100.14), dbSNP rs7196952, ClinGen allele CA8200779.